The following is an entry in ClinVar:

ClinVar aggregate classification (germline): Uncertain significance. Review status: criteria provided, multiple submitters, no conflicts (2 of 4 stars). 2 submissions from 2 submitters: Uncertain significance (2). Last evaluated 2023-10-13.

Conditions:
DICER1-related tumor predisposition. Also called: DICER1 syndrome; DICER1-related pleuropulmonary blastoma cancer predisposition syndrome. Identifiers: Orphanet 284343, MedGen C3839822, MONDO:0100216.

Submissions (2):

Labcorp Genetics (formerly Invitae), Labcorp
Classification: Uncertain significance for DICER1-related tumor predisposition. Last evaluated: 2023-10-13. Review status: criteria provided, single submitter. Criteria: Invitae Variant Classification Sherloc (09022015). Collection method: clinical testing. Allele origin: germline.
Comment: This sequence change replaces leucine, which is neutral and non-polar, with proline, which is neutral and non-polar, at codon 1359 of the DICER1 protein (p.Leu1359Pro). This variant is not present in population databases (gnomAD no frequency). This variant has not been reported in the literature in individuals affected with DICER1-related conditions. ClinVar contains an entry for this variant (Variation ID: 1379145). Advanced modeling of protein sequence and biophysical properties (such as structural, functional, and spatial information, amino acid conservation, physicochemical variation, residue mobility, and thermodynamic stability) performed at Invitae indicates that this missense variant is expected to disrupt DICER1 protein function. In summary, the available evidence is currently insufficient to determine the role of this variant in disease. Therefore, it has been classified as a Variant of Uncertain Significance.

Quest Diagnostics Nichols Institute San Juan Capistrano
Classification: Uncertain significance. Last evaluated: 2022-09-10. Review status: criteria provided, single submitter. Criteria: Quest Diagnostics criteria. Collection method: clinical testing. Allele origin: unknown.
Comment: The variant has not been reported in the published literature. It also has not been reported in large, multi-ethnic general populations. Analysis of this variant using bioinformatics tools for the prediction of the effect of amino acid changes on protein structure and function yielded predictions that this variant is damaging. Based on the available information, we are unable to determine the clinical significance of this variant.

NM_177438.3(DICER1):c.4076T>C (p.Leu1359Pro)

Gene: DICER1 (dicer 1, ribonuclease III; minus strand). Cytogenetic location: 14q32.13.
Variant type: single nucleotide variant.
Coding change: c.4076T>C on transcript NM_177438.3 (MANE Select); coding-DNA position 4076, T replaced by C.
Protein change: p.Leu1359Pro; replaces leucine 1359 with proline.
Molecular consequence: missense variant.
Genome position (GRCh38, 1-based): chr14:95,099,910, A>G on the plus strand (T>C on the coding strand, the complement: DICER1 is on the minus strand). VCF-style: chr14-95099910-A-G. GRCh37 (hg19) VCF-style: chr14-95566247-A-G.
Other names: c.4076T>C, p.Leu1359Pro (NM_001195573.1, NM_001271282.3, NM_001291628.2 and 1 more transcripts); c.4076T>C (NM_177438.2); short protein forms L1359P.
Identifiers: ClinVar variation 1379145 (VCV001379145.10), dbSNP rs1743395699, ClinGen allele CA390872238.
Genomic context (GRCh38, chr14:95,099,910, plus strand): 5'-TTCACAGGGGGATCAAATATTGACACCACCATGCGGCTGGGTAGTCCCTTCTTTTTTCCA[A>G]GGCGATACAGATTACAGTTGCTGACCTTTAGCAGAAAATATTAGGATACTTATCCATAAA-3'
Protein context (NP_803187.1, residues 1349-1369): KKVSNCNLYR[Leu1359Pro]GKKKGLPSRM